The following is an entry in ClinVar:

ClinVar aggregate classification (germline): Conflicting classifications of pathogenicity. Review status: criteria provided, conflicting classifications (1 of 4 stars). 6 submissions from 6 submitters: Likely pathogenic (2); Likely benign (4). Last evaluated 2026-07-28.

Conditions:
Autosomal recessive limb-girdle muscular dystrophy type 2D (LGMDR3). Also called: DUCHENNE-LIKE AUTOSOMAL RECESSIVE MUSCULAR DYSTROPHY, TYPE 2; MUSCULAR DYSTROPHY, LIMB-GIRDLE, AUTOSOMAL RECESSIVE 3; ADHALINOPATHY, PRIMARY. Identifiers: Orphanet 62, MedGen C2936332, MONDO:0011968, OMIM 608099. Disease mechanism: Affects gamma-sarcoglycan and also disrupts the integrity of the entire sarcoglycan complex..

Allele frequency attached by ClinVar (database versions not stated): TOPMed below 0.00001; ExAC 0.00001; gnomAD 0.00001; gnomAD exomes 0.00001.
gnomAD v4.1: 5 of 1,613,760 alleles (0.00031%); highest among the groups gnomAD compares: Admixed American, 0.0067%; no homozygotes.

Submissions (6):

Myriad Genetics, Inc.
Classification: Likely pathogenic for Autosomal recessive limb-girdle muscular dystrophy type 2D. Last evaluated: 2026-07-28. Review status: criteria provided, single submitter. Criteria: Myriad Autosomal Dominant, Autosomal Recessive and X-Linked Classification Criteria (2023). Collection method: clinical testing. Allele origin: unknown.
Comment: NM_000023.2(SGCA):c.600G>A(aka V200=) is a silent variant classified as likely pathogenic in the context of alpha-sarcoglycanopathy. V200= has been observed in cases with relevant disease (PMID: 41345255). Relevant functional assessments of this variant are available in the literature (PMID: 41345255). V200= has been observed in referenced population frequency databases. In summary, NM_000023.2(SGCA):c.600G>A(aka V200=) is a silent variant that has functional support for pathogenicity and has been observed more frequently in cases with the relevant disease than in healthy populations. Please note: this variant was assessed in the context of healthy population screening.

Labcorp Genetics (formerly Invitae), Labcorp
Classification: Likely benign for Autosomal recessive limb-girdle muscular dystrophy type 2D. Last evaluated: 2024-09-23. Review status: criteria provided, single submitter. Criteria: Invitae Variant Classification Sherloc (09022015). Collection method: clinical testing. Allele origin: germline.

Genome-Nilou Lab
Classification: Likely benign for Autosomal recessive limb-girdle muscular dystrophy type 2D. Last evaluated: 2023-02-08. Review status: criteria provided, single submitter. Criteria: ACMG Guidelines, 2015. Collection method: clinical testing. Allele origin: germline.

Blueprint Genetics
Classification: Likely benign. Last evaluated: 2019-01-10. Review status: criteria provided, single submitter. Criteria: ACMG Guidelines, 2015. Collection method: clinical testing. Allele origin: germline.

GeneDx
Classification: Likely benign. Last evaluated: 2016-11-08. Review status: criteria provided, single submitter. Criteria: GeneDx Variant Classification (06012015). Collection method: clinical testing. Allele origin: germline. Affected: yes.
Comment: This variant is considered likely benign or benign based on one or more of the following criteria: it is a conservative change, it occurs at a poorly conserved position in the protein, it is predicted to be benign by multiple in silico algorithms, and/or has population frequency not consistent with disease.

Hadassah Hebrew University Medical Center
Classification: Likely pathogenic for Autosomal recessive limb-girdle muscular dystrophy type 2D. Review status: criteria provided, single submitter. Criteria: ACMG Guidelines, 2015. Collection method: clinical testing. Allele origin: biparental. Inheritance: Autosomal recessive inheritance. Affected: yes. Observed: 1 homozygote.
Comment: The variant segregated with muscular dystrophy and cardiomyopathy in multiple families, and was shown to lead to aberrant splicing in patient fibroblasts.

Literature cited by the submitters: PubMed 41345255 (cited by Myriad Genetics, Inc.).

NM_000023.4(SGCA):c.600G>A (p.Val200=)

Gene: SGCA (sarcoglycan alpha; plus strand). Cytogenetic location: 17q21.33.
Variant type: single nucleotide variant.
Coding change: c.600G>A on transcript NM_000023.4 (MANE Select); coding-DNA position 600, G replaced by A.
Protein change: p.Val200=; no amino-acid change (valine 200 retained).
Molecular consequence: synonymous variant. On other transcripts: non-coding transcript variant (1), intron variant (1).
Genome position (GRCh38, 1-based): chr17:50,169,107, G>A. VCF-style: chr17-50169107-G-A. GRCh37 (hg19) VCF-style: chr17-48246468-G-A.
Other names: c.584+535G>A (NM_001135697.3).
Identifiers: ClinVar variation 390366 (VCV000390366.12), dbSNP rs764188161, ClinGen allele CA8643850.